The following is an entry in ClinVar:

ClinVar aggregate classification (germline): Uncertain significance (1 of 4 stars; one submission).

Conditions:
Inborn genetic diseases. Identifiers: MedGen C0950123, MeSH D030342.

gnomAD v4.1: 6 of 1,614,126 alleles (0.00037%); highest among the groups gnomAD compares: Admixed American, 0.005%; no homozygotes.

Submission:

Ambry Genetics
Classification: Uncertain significance for Inborn genetic diseases. Last evaluated: 2025-11-24. Review status: criteria provided, single submitter. Criteria: Ambry Variant Classification Scheme 2023. Collection method: clinical testing. Allele origin: germline.
Comment: The c.2791C>T (p.P931S) alteration is located in exon 16 (coding exon 16) of the LAMC3 gene. This alteration results from a C to T substitution at nucleotide position 2791, causing the proline (P) at amino acid position 931 to be replaced by a serine (S). Based on data from gnomAD, the T allele has an overall frequency of 0.001% (2/251412) total alleles studied. The highest observed frequency was 0.006% (1/16246) of African alleles. Based on insufficient or conflicting evidence, the clinical significance of this alteration remains unclear.

NM_006059.4(LAMC3):c.2791C>T (p.Pro931Ser)

Gene: LAMC3 (laminin subunit gamma 3; plus strand). Cytogenetic location: 9q34.12.
Variant type: single nucleotide variant.
Coding change: c.2791C>T on transcript NM_006059.4 (MANE Select); coding-DNA position 2791, C replaced by T.
Protein change: p.Pro931Ser; replaces proline 931 with serine.
Molecular consequence: missense variant.
Genome position (GRCh38, 1-based): chr9:131,068,951, C>T. VCF-style: chr9-131068951-C-T. GRCh37 (hg19) VCF-style: chr9-133944338-C-T.
Other names: short protein forms P931S.
Identifiers: ClinVar variation 4623535 (VCV004623535.1).